The following is an entry in ClinVar:

ClinVar aggregate classification (germline): Uncertain significance. Review status: criteria provided, multiple submitters, no conflicts (2 of 4 stars). 2 submissions from 2 submitters: Uncertain significance (2). Last evaluated 2023-05-23.

Conditions:
TECTA-related disorder. Also called: TECTA-related condition.

Allele frequency attached by ClinVar (database versions not stated): gnomAD exomes below 0.00001; TOPMed below 0.00001.
gnomAD v4.1: 3 of 1,614,130 alleles (0.00019%); highest among the groups gnomAD compares: Non-Finnish European, 0.00025%; no homozygotes.

Submissions (2):

PreventionGenetics, part of Exact Sciences
Classification: Uncertain significance for TECTA-related condition. Last evaluated: 2023-05-23. Review status: criteria provided, single submitter. Criteria: ACMG Guidelines, 2015. Collection method: clinical testing. Allele origin: germline.
Comment: The TECTA c.5591A>G variant is predicted to result in the amino acid substitution p.Asn1864Ser. This variant was reported in a patient with mild to moderate childhood onset hearing loss (Table S3, Sloan-Heggen et al. 2016. PubMed ID: 26969326). This variant has not been reported in a large population database, indicating this variant is rare. At this time, the clinical significance of this variant is uncertain due to the absence of conclusive functional and genetic evidence.

GeneDx
Classification: Uncertain significance. Last evaluated: 2019-06-04. Review status: criteria provided, single submitter. Criteria: GeneDx Variant Classification Process June 2021. Collection method: clinical testing. Allele origin: germline. Affected: yes.
Comment: Observed in the heterozygous state in an individual with hearing loss in the published literature (Sloan-Heggen et al., 2016); Not observed in large population cohorts (Lek et al., 2016); In silico analysis, which includes protein predictors and evolutionary conservation, supports that this variant does not alter protein structure/function; This variant is associated with the following publications: (PMID: 26969326)

NM_005422.4(TECTA):c.5591A>G (p.Asn1864Ser)

Genes: TBCEL-TECTA (TBCEL-TECTA readthrough; plus strand), TECTA (tectorin alpha; plus strand). Cytogenetic location: 11q23.3.
Variant type: single nucleotide variant.
Coding change: c.5591A>G on transcript NM_005422.4 (MANE Select); coding-DNA position 5591, A replaced by G.
Protein change: p.Asn1864Ser; replaces asparagine 1864 with serine.
Molecular consequence: missense variant.
Genome position (GRCh38, 1-based): chr11:121,168,058, A>G. VCF-style: chr11-121168058-A-G. GRCh37 (hg19) VCF-style: chr11-121038767-A-G.
Other names: c.6533A>G, p.Asn2178Ser (NM_001378761.1); short protein forms N1864S, N2178S.
Identifiers: ClinVar variation 1303345 (VCV001303345.3), dbSNP rs1003951217, ClinGen allele CA229852503.
Genomic context (GRCh38, chr11:121,168,058, plus strand): 5'-CAAGCTACATACTCACTCCCAGATGTAACGATTTCTGACTTCCCCTTGTTCTGCAGTCCA[A>G]TGGCACGCATATCATGTATAAAAACACACTCTGGATCGAAAGCGCCAACAACACTGGCAA-3'
Protein context (NP_005413.2, residues 1854-1874): KGNCGNIVQS[Asn1864Ser]GTHIMYKNTL